The following is an entry in ClinVar:

NM_001164508.2(NEB):c.22441A>G (p.Ile7481Val)

Genes: NEB (nebulin; minus strand), RIF1 (replication timing regulatory factor 1; plus strand). Cytogenetic location: 2q23.3.
Variant type: single nucleotide variant.
Coding change: c.22441A>G on transcript NM_001164508.2 (MANE Select); coding-DNA position 22441, A replaced by G.
Protein change: p.Ile7481Val; replaces isoleucine 7481 with valine.
Molecular consequence: missense variant.
Genome position (GRCh38, 1-based): chr2:151,524,349, T>C on the plus strand (A>G on the coding strand, the complement: NEB is on the minus strand). VCF-style: chr2-151524349-T-C. GRCh37 (hg19) VCF-style: chr2-152380863-T-C.
Other names: c.22441A>G, p.Ile7481Val (NM_001164507.2); c.22546A>G, p.Ile7516Val (NM_001271208.2); c.17338A>G, p.Ile5780Val (NM_004543.5); c.17338A>G (NM_004543.4); short protein forms I7516V, I5780V, I7481V.
Identifiers: ClinVar variation 566369 (VCV000566369.12), dbSNP rs374581669, ClinGen allele CA57624630.

ClinVar aggregate classification (germline): Uncertain significance. Review status: criteria provided, multiple submitters, no conflicts (2 of 4 stars). 5 submissions from 5 submitters: Uncertain significance (4). 1 of the submissions does not count toward it. Last evaluated 2025-10-18.

Conditions:
Arthrogryposis multiplex congenita 6. Identifiers: MedGen C5543431, MONDO:0030281, OMIM 619334.
Nemaline myopathy 2 (NEM2). Also called: Nemaline myopathy 2, autosomal recessive. Identifiers: MedGen C1850569, MONDO:0009725, OMIM 256030.
Inborn genetic diseases. Identifiers: MedGen C0950123, MeSH D030342.

Allele frequency attached by ClinVar (database versions not stated): gnomAD 0.00002; gnomAD exomes 0.00002; ESP Exome Variant Server 0.00008; TOPMed 0.00002.
gnomAD v4.1: 30 of 1,613,830 alleles (0.0019%); highest among the groups gnomAD compares: Non-Finnish European, 0.0024%; no homozygotes.

Submissions (5):

Ambry Genetics
Classification: Uncertain significance for Inborn genetic diseases. Last evaluated: 2025-10-18. Review status: criteria provided, single submitter. Criteria: Ambry Variant Classification Scheme 2023. Collection method: clinical testing. Allele origin: germline.

Revvity Omics, Revvity
Classification: Uncertain significance. Last evaluated: 2024-09-12. Review status: criteria provided, single submitter. Criteria: ACMG Guidelines, 2015. Collection method: clinical testing. Allele origin: germline.

Labcorp Genetics (formerly Invitae), Labcorp
Classification: Uncertain significance for Nemaline myopathy 2. Last evaluated: 2022-10-18. Review status: criteria provided, single submitter. Criteria: Invitae Variant Classification Sherloc (09022015). Collection method: clinical testing. Allele origin: germline.
Comment: This sequence change replaces isoleucine, which is neutral and non-polar, with valine, which is neutral and non-polar, at codon 7516 of the NEB protein (p.Ile7516Val). This variant is present in population databases (rs374581669, gnomAD 0.007%). This variant has not been reported in the literature in individuals affected with NEB-related conditions. ClinVar contains an entry for this variant (Variation ID: 566369). Algorithms developed to predict the effect of missense changes on protein structure and function are either unavailable or do not agree on the potential impact of this missense change (SIFT: "Deleterious"; PolyPhen-2: "Not Available"; Align-GVGD: "Class C0"). In summary, the available evidence is currently insufficient to determine the role of this variant in disease. Therefore, it has been classified as a Variant of Uncertain Significance.

Fulgent Genetics
Classification: Uncertain significance for Nemaline myopathy 2; Arthrogryposis multiplex congenita 6. Last evaluated: 2021-07-15. Review status: criteria provided, single submitter. Criteria: ACMG Guidelines, 2015. Collection method: clinical testing. Allele origin: unknown.

Natera, Inc.
Classification: Uncertain significance for Nemaline myopathy type 2. Last evaluated: 2020-01-11. Review status: no assertion criteria provided. Collection method: clinical testing. Allele origin: germline. Not counted in ClinVar's aggregate classification.